The following is an entry in ClinVar:

NM_177972.3(TUB):c.998+7G>A

Genes: RIC3 (RIC3 acetylcholine receptor chaperone; minus strand), TUB (TUB bipartite transcription factor; plus strand). Cytogenetic location: 11p15.4.
Variant type: single nucleotide variant.
Coding change: c.998+7G>A on transcript NM_177972.3 (MANE Select); 7 bases into the intron after coding-DNA position 998, G replaced by A.
Molecular consequence: intron variant.
Genome position (GRCh38, 1-based): chr11:8,097,833, G>A. VCF-style: chr11-8097833-G-A. GRCh37 (hg19) VCF-style: chr11-8119380-G-A.
Other names: c.1163+7G>A (NM_003320.5).
Identifiers: ClinVar variation 746380 (VCV000746380.12), dbSNP rs1589983561, ClinGen allele CA915947938.

ClinVar aggregate classification (germline): Conflicting classifications of pathogenicity. Review status: criteria provided, conflicting classifications (1 of 4 stars). 3 submissions from 3 submitters: Uncertain significance (1); Likely benign (2). Last evaluated 2025-12-17.

Conditions:
TUB-related disorder. Also called: TUB-related condition.

Allele frequency attached by ClinVar (database versions not stated): gnomAD exomes below 0.00001.
gnomAD v4.1: 2 of 1,610,410 alleles (0.00012%); highest among the groups gnomAD compares: Admixed American, 0.0033%; no homozygotes.

Submissions (3):

Labcorp Genetics (formerly Invitae), Labcorp
Classification: Likely benign. Last evaluated: 2025-12-17. Review status: criteria provided, single submitter. Criteria: Invitae Variant Classification Sherloc (09022015). Collection method: clinical testing. Allele origin: germline.

PreventionGenetics, part of Exact Sciences
Classification: Likely benign for TUB-related condition. Last evaluated: 2024-12-04. Review status: criteria provided, single submitter. Criteria: ACMG Guidelines, 2015. Collection method: clinical testing. Allele origin: germline.
Comment: This variant is classified as likely benign based on ACMG/AMP sequence variant interpretation guidelines (Richards et al. 2015 PMID: 25741868, with internal and published modifications).

Blueprint Genetics
Classification: Uncertain significance. Last evaluated: 2021-03-26. Review status: criteria provided, single submitter. Criteria: ACMG Guidelines, 2015. Collection method: clinical testing. Allele origin: germline.